The following is an entry in ClinVar:

NC_000011.9:g.(?_108216460)_(108218102_?)del

Gene: ATM (ATM serine/threonine kinase; plus strand). Cytogenetic location: 11q22.3.
Variant type: Deletion.
Identifiers: ClinVar variation 3244483 (VCV003244483.1).

ClinVar aggregate classification (germline): Pathogenic (1 of 4 stars; one submission).

Conditions:
Ataxia-telangiectasia syndrome (AT). Also called: LOUIS-BAR SYNDROME; Cerebello-oculocutaneous telangiectasia; Immunodeficiency with ataxia telangiectasia; AT, COMPLEMENTATION GROUP C; Ataxia-telangiectasia, complementation group D; ATAXIA-TELANGIECTASIA, COMPLEMENTATION GROUP A. Identifiers: Orphanet 100, MedGen C0004135, MONDO:0008840, OMIM 208900.

Submission:

Labcorp Genetics (formerly Invitae), Labcorp
Classification: Pathogenic for Ataxia-telangiectasia syndrome. Last evaluated: 2023-09-12. Review status: criteria provided, single submitter. Criteria: Invitae Variant Classification Sherloc (09022015). Collection method: clinical testing. Allele origin: unknown.
Comment: For these reasons, this variant has been classified as Pathogenic. This variant has not been reported in the literature in individuals affected with ATM-related conditions. This variant is a gross deletion of the genomic region encompassing exon(s) 58-59 of the ATM gene. This deletion is out-of-frame, and is expected to create a premature termination codon and result in an absent or disrupted protein product. Loss-of-function variants in ATM are known to be pathogenic (PMID: 23807571, 25614872).

Literature cited by the submitters: PubMed 23807571; PubMed 25614872.